The following is an entry in ClinVar:

ClinVar aggregate classification (germline): Uncertain significance (1 of 4 stars; one submission).

Conditions:
Amyotrophic lateral sclerosis type 1 (ALS1). Also called: AMYOTROPHIC LATERAL SCLEROSIS 1, FAMILIAL. Identifiers: Orphanet 803, MedGen C1862939, MONDO:0007103, OMIM 105400.
Neuronopathy, distal hereditary motor, type 7B. Also called: NEURONOPATHY, DISTAL HEREDITARY MOTOR, AUTOSOMAL DOMINANT 14; NEURONOPATHY, DISTAL HEREDITARY MOTOR, HARDING TYPE VIIB; NEUROPATHY, DISTAL HEREDITARY MOTOR, HARDING TYPE VIIB; NEUROPATHY, DISTAL HEREDITARY MOTOR, WITH VOCAL CORD PARALYSIS, HARDING TYPE VIIB; HMN VIIB; LOWER MOTOR NEURON DISEASE, DYNACTIN TYPE. Identifiers: Orphanet 139589, MedGen C1843315, MONDO:0011879, OMIM 607641.
Perry syndrome. Also called: PARKINSONISM WITH ALVEOLAR HYPOVENTILATION AND MENTAL DEPRESSION. Identifiers: Orphanet 178509, MedGen C1868594, MONDO:0008201, OMIM 168605.

gnomAD v4.1: 4 of 1,613,314 alleles (0.00025%); highest among the groups gnomAD compares: East Asian, 0.0089%; 1 homozygote.

Submission:

Labcorp Genetics (formerly Invitae), Labcorp
Classification: Uncertain significance for Amyotrophic lateral sclerosis type 1; Neuronopathy, distal hereditary motor, type 7B; Perry syndrome. Last evaluated: 2024-07-10. Review status: criteria provided, single submitter. Criteria: Invitae Variant Classification Sherloc (09022015). Collection method: clinical testing. Allele origin: germline.
Comment: This sequence change replaces glutamic acid, which is acidic and polar, with glycine, which is neutral and non-polar, at codon 218 of the DCTN1 protein (p.Glu218Gly). This variant is not present in population databases (gnomAD no frequency). This variant has not been reported in the literature in individuals affected with DCTN1-related conditions. Advanced modeling of protein sequence and biophysical properties (such as structural, functional, and spatial information, amino acid conservation, physicochemical variation, residue mobility, and thermodynamic stability) performed at Invitae indicates that this missense variant is not expected to disrupt DCTN1 protein function with a negative predictive value of 80%. In summary, the available evidence is currently insufficient to determine the role of this variant in disease. Therefore, it has been classified as a Variant of Uncertain Significance.

NM_004082.5(DCTN1):c.653A>G (p.Glu218Gly)

Gene: DCTN1 (dynactin subunit 1; minus strand). Cytogenetic location: 2p13.1.
Variant type: single nucleotide variant.
Coding change: c.653A>G on transcript NM_004082.5 (MANE Select); coding-DNA position 653, A replaced by G.
Protein change: p.Glu218Gly; replaces glutamic acid 218 with glycine.
Molecular consequence: missense variant. On other transcripts: non-coding transcript variant (1).
Genome position (GRCh38, 1-based): chr2:74,371,169, T>C on the plus strand (A>G on the coding strand, the complement: DCTN1 is on the minus strand). VCF-style: chr2-74371169-T-C. GRCh37 (hg19) VCF-style: chr2-74598296-T-C.
Other names: c.593A>G, p.Glu198Gly (NM_001135040.3); c.251A>G, p.Glu84Gly (NM_001135041.3, NM_023019.4); c.542A>G, p.Glu181Gly (NM_001190836.2); c.632A>G, p.Glu211Gly (NM_001190837.2); c.602A>G, p.Glu201Gly (NM_001378991.1); c.584A>G, p.Glu195Gly (NM_001378992.1); short protein forms E181G, E195G, E198G, E201G, E211G, E218G, E84G.
Identifiers: ClinVar variation 3748217 (VCV003748217.2).
Genomic context (GRCh38, chr2:74,371,169, plus strand): 5'-CGTTTCAGTCTCAGGGTCTCTAGTTTCTCCTCCAGGTCCCGCACCTGAGCCCTTAGTCCC[T>C]CCTCCTCCTGCAAAGGAGAGGCCTCACGGTCTGTGCACAGCCCACTCCTCCTCTCCACCA-3'
Protein context (NP_004073.2, residues 208-228): PPLPSPSKEE[Glu218Gly]GLRAQVRDLE